The following is an entry in ClinVar:

NC_000015.10:g.(?_67066145)_(67066370_?)del

Gene: SMAD3 (SMAD family member 3; plus strand). Cytogenetic location: 15q22.33.
Variant type: Deletion.
Identifiers: ClinVar variation 832854 (VCV000832854.4).

ClinVar aggregate classification (germline): Pathogenic (1 of 4 stars; one submission).

Conditions:
Familial thoracic aortic aneurysm and aortic dissection (TAAD). Also called: Thoracic aortic aneurysms and dissections. Identifiers: Orphanet 91387, MedGen C4707243, MONDO:0019625.

Submission:

Labcorp Genetics (formerly Invitae), Labcorp
Classification: Pathogenic for Familial thoracic aortic aneurysm and aortic dissection. Last evaluated: 2021-02-15. Review status: criteria provided, single submitter. Criteria: Invitae Variant Classification Sherloc (09022015). Collection method: clinical testing. Allele origin: germline.
Comment: This variant is a gross deletion of the genomic region encompassing exon 1 of the SMAD3 gene, which includes the initiator codon. The 5' end of this event is unknown as it extends beyond the assayed region for this gene and therefore may encompass additional genes. The 3' boundary is likely confined to intron 1 of the SMAD3 gene. This is expected to result in an absent or disrupted protein product. This variant has not been reported in the literature in individuals with SMAD3-related disease. Loss-of-function variants in SMAD3 are known to be pathogenic (PMID: 21778426, 24804794). For these reasons, this variant has been classified as Pathogenic.

Literature cited by the submitters: PubMed 21778426; PubMed 24804794.